The following is an entry in ClinVar:

ClinVar aggregate classification (germline): Uncertain significance (1 of 4 stars; one submission).

Conditions:
Emery-Dreifuss muscular dystrophy 4, autosomal dominant (EDMD4). Also called: EMERY-DREIFUSS MUSCULAR DYSTROPHY 4 WITH VARIABLE FEATURES. Identifiers: Orphanet 261, MedGen C2751807, MONDO:0013071, OMIM 612998.
Autosomal recessive ataxia, Beauce type. Also called: Spinocerebellar ataxia, autosomal recessive 8; ATAXIA, RECESSIVE, OF BEAUCE; SYNE1 Deficiency; SYNE1-Related Autosomal Recessive Cerebellar Ataxia. Identifiers: Orphanet 88644, MedGen C1853116, MONDO:0012549, OMIM 610743.

Submission:

Labcorp Genetics (formerly Invitae), Labcorp
Classification: Uncertain significance for Emery-Dreifuss muscular dystrophy 4, autosomal dominant; Autosomal recessive ataxia, Beauce type. Last evaluated: 2025-03-30. Review status: criteria provided, single submitter. Criteria: Invitae Variant Classification Sherloc (09022015). Collection method: clinical testing. Allele origin: germline.
Comment: This sequence change replaces lysine, which is basic and polar, with arginine, which is basic and polar, at codon 4603 of the SYNE1 protein (p.Lys4603Arg). This variant is not present in population databases (gnomAD no frequency). This variant has not been reported in the literature in individuals affected with SYNE1-related conditions. An algorithm developed to predict the effect of missense changes on protein structure and function outputs the following: PolyPhen-2: "Benign". The arginine amino acid residue is found in multiple mammalian species, which suggests that this missense change does not adversely affect protein function. In summary, the available evidence is currently insufficient to determine the role of this variant in disease. Therefore, it has been classified as a Variant of Uncertain Significance.

NM_182961.4(SYNE1):c.14021A>G (p.Lys4674Arg)

Gene: SYNE1 (spectrin repeat containing nuclear envelope protein 1; minus strand). Cytogenetic location: 6q25.2.
Variant type: single nucleotide variant.
Coding change: c.14021A>G on transcript NM_182961.4 (MANE Select); coding-DNA position 14021, A replaced by G.
Protein change: p.Lys4674Arg; replaces lysine 4674 with arginine.
Molecular consequence: missense variant.
Genome position (GRCh38, 1-based): chr6:152,330,664, T>C on the plus strand (A>G on the coding strand, the complement: SYNE1 is on the minus strand). VCF-style: chr6-152330664-T-C. GRCh37 (hg19) VCF-style: chr6-152651799-T-C.
Other names: c.13808A>G, p.Lys4603Arg (NM_033071.5); short protein forms K4674R, K4603R.
Identifiers: ClinVar variation 4794247 (VCV004794247.1).